The following is an entry in ClinVar:

ClinVar aggregate classification (germline): Likely benign (1 of 4 stars; one submission).

Submission:

CeGaT Center for Human Genetics Tuebingen
Classification: Likely benign. Last evaluated: 2026-01-01. Review status: criteria provided, single submitter. Criteria: CeGaT Center For Human Genetics Tuebingen Variant Classification Criteria Version 2. Collection method: clinical testing. Allele origin: germline. Affected: yes. Observed: 1 variant allele.
Comment: OR2T33: BP4, BP7

NM_001004695.2(OR2T33):c.642C>T (p.Ser214=)

Gene: OR2T33 (olfactory receptor family 2 subfamily T member 33; minus strand). Cytogenetic location: 1q44.
Variant type: single nucleotide variant.
Coding change: c.642C>T on transcript NM_001004695.2 (MANE Select); coding-DNA position 642, C replaced by T.
Protein change: p.Ser214=; no amino-acid change (serine 214 retained).
Molecular consequence: synonymous variant.
Genome position (GRCh38, 1-based): chr1:248,273,173, G>A on the plus strand (C>T on the coding strand, the complement: OR2T33 is on the minus strand). VCF-style: chr1-248273173-G-A. GRCh37 (hg19) VCF-style: chr1-248436475-G-A.
Identifiers: ClinVar variation 4821582 (VCV004821582.4).